The following is an entry in ClinVar:

NM_020366.4(RPGRIP1):c.3503G>T (p.Gly1168Val)

Gene: RPGRIP1 (RPGR interacting protein 1; plus strand). Cytogenetic location: 14q11.2.
Variant type: single nucleotide variant.
Coding change: c.3503G>T on transcript NM_020366.4 (MANE Select); coding-DNA position 3503, G replaced by T.
Protein change: p.Gly1168Val; replaces glycine 1168 with valine.
Molecular consequence: missense variant.
Genome position (GRCh38, 1-based): chr14:21,343,199, G>T. VCF-style: chr14-21343199-G-T. GRCh37 (hg19) VCF-style: chr14-21811358-G-T.
Other names: c.1481G>T, p.Gly494Val (NM_001377523.1, NM_001377950.1); c.2429G>T, p.Gly810Val (NM_001377948.1); c.1589G>T, p.Gly530Val (NM_001377949.1); c.986G>T, p.Gly329Val (NM_001377951.1); short protein forms G329V, G810V, G1168V, G494V, G530V.
Identifiers: ClinVar variation 1376615 (VCV001376615.6), dbSNP rs763866704, ClinGen allele CA7089527.

ClinVar aggregate classification (germline): Uncertain significance (1 of 4 stars; one submission).

Conditions:
Cone-rod dystrophy 13 (CORD13). Identifiers: Orphanet 1872, MedGen C2750720, MONDO:0011987, OMIM 608194.
Leber congenital amaurosis 6 (LCA6). Identifiers: Orphanet 65, MedGen C1854260, MONDO:0013446, OMIM 613826.

Allele frequency attached by ClinVar (database versions not stated): gnomAD exomes below 0.00001 and 0.00001; ExAC 0.00001.
gnomAD v4.1: 3 of 1,612,818 alleles (0.00019%); highest among the groups gnomAD compares: Admixed American, 0.0017%; no homozygotes.

Submission:

Labcorp Genetics (formerly Invitae), Labcorp
Classification: Uncertain significance for Leber congenital amaurosis 6; Cone-rod dystrophy 13. Last evaluated: 2021-08-20. Review status: criteria provided, single submitter. Criteria: Invitae Variant Classification Sherloc (09022015). Collection method: clinical testing. Allele origin: germline.
Comment: This sequence change replaces glycine with valine at codon 1168 of the RPGRIP1 protein (p.Gly1168Val). The glycine residue is highly conserved and there is a moderate physicochemical difference between glycine and valine. This variant is present in population databases (rs763866704, ExAC 0.002%). This variant has not been reported in the literature in individuals affected with RPGRIP1-related conditions. Algorithms developed to predict the effect of missense changes on protein structure and function are either unavailable or do not agree on the potential impact of this missense change (SIFT: "Deleterious"; PolyPhen-2: "Probably Damaging"; Align-GVGD: "Class C0"). In summary, the available evidence is currently insufficient to determine the role of this variant in disease. Therefore, it has been classified as a Variant of Uncertain Significance.